The following is an entry in ClinVar:

NM_001036.6(RYR3):c.8400-3T>C

Gene: RYR3 (ryanodine receptor 3; plus strand). Cytogenetic location: 15q14.
Variant type: single nucleotide variant.
Coding change: c.8400-3T>C on transcript NM_001036.6 (MANE Select); 3 bases into the intron before coding-DNA position 8400, T replaced by C.
Molecular consequence: intron variant.
Genome position (GRCh38, 1-based): chr15:33,755,062, T>C. VCF-style: chr15-33755062-T-C. GRCh37 (hg19) VCF-style: chr15-34047263-T-C.
Other names: c.8400-3T>C (NM_001243996.4).
Identifiers: ClinVar variation 4885848 (VCV004885848.2).

ClinVar aggregate classification (germline): Uncertain significance (1 of 4 stars; one submission).

gnomAD v4.1: 9 of 1,581,950 alleles (0.00057%); highest among the groups gnomAD compares: African/African-American, 0.0094%; no homozygotes.

Submission:

Dasa
Classification: Uncertain significance. Last evaluated: 2025-09-17. Review status: criteria provided, single submitter. Criteria: DASA Assertion Criteria. Collection method: clinical testing. Allele origin: germline.
Comment: NM_001036.6(RYR3):c.8400-3T>C is a splice-region variant. This variant is rare in population databases. Computational prediction algorithms are consistent with a benign effect. The currently available literature and clinical evidence are not sufficient to establish a definitive association between this variant and the reported condition. Therefore, this variant is classified as a variant of uncertain significance.